The following is an entry in ClinVar:

NM_022463.5(NXN):c.163G>T (p.Ala55Ser)

Gene: NXN (nucleoredoxin; minus strand). Cytogenetic location: 17p13.3.
Variant type: single nucleotide variant.
Coding change: c.163G>T on transcript NM_022463.5 (MANE Select); coding-DNA position 163, G replaced by T.
Protein change: p.Ala55Ser; replaces alanine 55 with serine.
Molecular consequence: missense variant.
Genome position (GRCh38, 1-based): chr17:979,516, C>A on the plus strand (G>T on the coding strand, the complement: NXN is on the minus strand). VCF-style: chr17-979516-C-A. GRCh37 (hg19) VCF-style: chr17-882756-C-A.
Other names: short protein forms A55S.
Identifiers: ClinVar variation 1965695 (VCV001965695.5), dbSNP rs2069512587, ClinGen allele CA397511727.
Genomic context (GRCh38, chr17:979,516, plus strand): 5'-CGGCCCCCGCTCCCGGCCCCGGCCCGGCCGCCGCGTCCCCCCGCAGGCGCCCGTAGAAGG[C>A]GGCCAGGCTGGCGCTGAGCTGCGCGCAGGGGGCGCTGAGGCTGCAGCCGAAGTAGAGACC-3'
Protein context (NP_071908.2, residues 45-65): PCAQLSASLA[Ala55Ser]FYGRLRGDAA

ClinVar aggregate classification (germline): Uncertain significance (1 of 4 stars; one submission).

Allele frequency attached by ClinVar (database versions not stated): TOPMed 0.00001.

Submission:

Labcorp Genetics (formerly Invitae), Labcorp
Classification: Uncertain significance. Last evaluated: 2025-05-19. Review status: criteria provided, single submitter. Criteria: Invitae Variant Classification Sherloc (09022015). Collection method: clinical testing. Allele origin: germline.
Comment: This sequence change replaces alanine, which is neutral and non-polar, with serine, which is neutral and polar, at codon 55 of the NXN protein (p.Ala55Ser). This variant is not present in population databases (gnomAD no frequency). This variant has not been reported in the literature in individuals affected with NXN-related conditions. ClinVar contains an entry for this variant (Variation ID: 1965695). An algorithm developed to predict the effect of missense changes on protein structure and function (PolyPhen-2) suggests that this variant is likely to be tolerated. In summary, the available evidence is currently insufficient to determine the role of this variant in disease. Therefore, it has been classified as a Variant of Uncertain Significance.